The following is an entry in ClinVar:

ClinVar aggregate classification (germline): Benign/Likely benign. Review status: criteria provided, multiple submitters, no conflicts (2 of 4 stars). 12 submissions from 9 submitters: Benign (5); Likely benign (6). 1 of the submissions does not count toward it. Last evaluated 2026-07-01.

Conditions:
Cardiovascular phenotype. Identifiers: MedGen CN230736.
Tibial muscular dystrophy (TMD). Also called: UDD MYOPATHY; Tibial muscular dystrophy, tardive; Udd Distal Myopathy – Tibial Muscular Dystrophy. Identifiers: Orphanet 609, MedGen C1838244, MONDO:0010870, OMIM 600334.
Autosomal recessive limb-girdle muscular dystrophy type 2J (LGMDR10). Also called: MUSCULAR DYSTROPHY, LIMB-GIRDLE, AUTOSOMAL RECESSIVE 10; Limb-girdle muscular dystrophy, type 2J. Identifiers: Orphanet 140922, MedGen C1837342, MONDO:0012127, OMIM 608807.
Myopathy, myofibrillar, 9, with early respiratory failure (MFM9). Also called: Myopathy, distal, with early respiratory failure, autosomal dominant; EDSTROM MYOPATHY; MYOPATHY, PROXIMAL, WITH EARLY RESPIRATORY MUSCLE INVOLVEMENT; Hereditary myopathy with early respiratory failure. Identifiers: Orphanet 178464, Orphanet 34521, MedGen C1863599, MONDO:0011362, OMIM 603689.
Early-onset myopathy with fatal cardiomyopathy (CMYO5). Also called: CONGENITAL MYOPATHY 5 WITH CARDIOMYOPATHY; Salih Myopathy. Identifiers: Orphanet 289377, MedGen C2673677, MONDO:0012714, OMIM 611705. Disease mechanism: loss of function.
TTN-related disorder. Also called: TTN-related condition; TTN-related disease; TTN-related disorders.
Dilated cardiomyopathy 1G (CMD1G). Identifiers: Orphanet 154, MedGen C1858763, MONDO:0011400, OMIM 604145.

Allele frequency attached by ClinVar (database versions not stated): gnomAD exomes 0.00006 and 0.00010; ESP Exome Variant Server 0.00008; gnomAD 0.00009 and 0.00010; ExAC 0.00012; TOPMed 0.00014.
gnomAD v4.1: 99 of 1,613,578 alleles (0.0061%); highest among the groups gnomAD compares: East Asian, 0.091%; no homozygotes.

Submissions (12):

CeGaT Center for Human Genetics Tuebingen
Classification: Likely benign. Last evaluated: 2026-07-01. Review status: criteria provided, single submitter. Criteria: CeGaT Center For Human Genetics Tuebingen Variant Classification Criteria Version 2. Collection method: clinical testing. Allele origin: germline. Affected: yes. Observed: 1 variant allele.
Comment: TTN: BP4, BP7

Labcorp Genetics (formerly Invitae), Labcorp
Classification: Likely benign for Dilated cardiomyopathy 1G; Autosomal recessive limb-girdle muscular dystrophy type 2J. Last evaluated: 2025-12-03. Review status: criteria provided, single submitter. Criteria: Invitae Variant Classification Sherloc (09022015). Collection method: clinical testing. Allele origin: germline.

Molecular Diagnostic Laboratory for Inherited Cardiovascular Disease, Montreal Heart Institute
Classification: Likely benign. Last evaluated: 2025-04-09. Review status: criteria provided, single submitter. Criteria: ACMG Guidelines, 2015. Collection method: clinical testing. Allele origin: germline. Affected: no.

Blueprint Genetics
Classification: Likely benign. Last evaluated: 2024-04-23. Review status: criteria provided, single submitter. Criteria: ACMG Guidelines, 2015. Collection method: clinical testing. Allele origin: germline.

Genome-Nilou Lab
Classification: Benign for Autosomal recessive limb-girdle muscular dystrophy type 2J. Last evaluated: 2021-09-10. Review status: criteria provided, single submitter. Criteria: ACMG Guidelines, 2015. Collection method: clinical testing. Allele origin: germline. Affected: no.

Genome-Nilou Lab
Classification: Benign for Myopathy, myofibrillar, 9, with early respiratory failure. Last evaluated: 2021-09-10. Review status: criteria provided, single submitter. Criteria: ACMG Guidelines, 2015. Collection method: clinical testing. Allele origin: germline. Affected: no.

Genome-Nilou Lab
Classification: Benign for Early-onset myopathy with fatal cardiomyopathy. Last evaluated: 2021-09-10. Review status: criteria provided, single submitter. Criteria: ACMG Guidelines, 2015. Collection method: clinical testing. Allele origin: germline. Affected: no.

Genome-Nilou Lab
Classification: Benign for Tibial muscular dystrophy. Last evaluated: 2021-09-10. Review status: criteria provided, single submitter. Criteria: ACMG Guidelines, 2015. Collection method: clinical testing. Allele origin: germline. Affected: no.

Athena Diagnostics
Classification: Benign. Last evaluated: 2021-05-18. Review status: criteria provided, single submitter. Criteria: Athena Diagnostics criteria. Collection method: clinical testing. Allele origin: unknown.

GeneDx
Classification: Likely benign. Last evaluated: 2019-07-02. Review status: criteria provided, single submitter. Criteria: GeneDx Variant Classification Process June 2021. Collection method: clinical testing. Allele origin: germline. Affected: yes.

Ambry Genetics
Classification: Likely benign for Cardiovascular phenotype. Last evaluated: 2016-11-29. Review status: criteria provided, single submitter. Criteria: Ambry Variant Classification Scheme 2023. Collection method: clinical testing. Allele origin: germline.

PreventionGenetics, part of Exact Sciences
Classification: Likely benign for TTN-related condition. Last evaluated: 2022-01-09. Review status: no assertion criteria provided. Collection method: clinical testing. Allele origin: germline. Not counted in ClinVar's aggregate classification.
Comment: This variant is classified as likely benign based on ACMG/AMP sequence variant interpretation guidelines (Richards et al. 2015 PMID: 25741868, with internal and published modifications).

NM_001267550.2(TTN):c.13689C>T (p.Asp4563=)

Gene: TTN (titin; minus strand). Cytogenetic location: 2q31.2.
Variant type: single nucleotide variant.
Coding change: c.13689C>T on transcript NM_001267550.2 (MANE Select); coding-DNA position 13689, C replaced by T.
Protein change: p.Asp4563=; no amino-acid change (aspartic acid 4563 retained).
Molecular consequence: synonymous variant. On other transcripts: intron variant (1).
Genome position (GRCh38, 1-based): chr2:178,739,544, G>A on the plus strand (C>T on the coding strand, the complement: TTN is on the minus strand). VCF-style: chr2-178739544-G-A. GRCh37 (hg19) VCF-style: chr2-179604271-G-A.
Other names: c.12738C>T, p.Asp4246= (NM_001256850.1); c.12600C>T, p.Asp4200= (NM_003319.4); c.12975C>T, p.Asp4325= (NM_133432.3); c.13176C>T, p.Asp4392= (NM_133437.4); c.10361-1184C>T (NM_133378.4); c.13689C>T (NM_001267550.1).
Identifiers: ClinVar variation 507581 (VCV000507581.25), dbSNP rs369466156, ClinGen allele CA2002542.